The following is an entry in ClinVar:

NM_001365536.1(SCN9A):c.3148C>T (p.His1050Tyr)

Genes: SCN1A-AS1 (SCN1A and SCN9A antisense RNA 1; plus strand), SCN9A (sodium voltage-gated channel alpha subunit 9; minus strand). Cytogenetic location: 2q24.3.
Variant type: single nucleotide variant.
Coding change: c.3148C>T on transcript NM_001365536.1 (MANE Select); coding-DNA position 3148, C replaced by T.
Protein change: p.His1050Tyr; replaces histidine 1050 with tyrosine.
Molecular consequence: missense variant.
Genome position (GRCh38, 1-based): chr2:166,272,602, G>A on the plus strand (C>T on the coding strand, the complement: SCN9A is on the minus strand). VCF-style: chr2-166272602-G-A. GRCh37 (hg19) VCF-style: chr2-167129112-G-A.
Other names: c.3115C>T, p.His1039Tyr (NM_002977.4); short protein forms H1039Y, H1050Y.
Identifiers: ClinVar variation 2947526 (VCV002947526.3), dbSNP rs201358060, ClinGen allele CA59791439.

ClinVar aggregate classification (germline): Uncertain significance (1 of 4 stars; one submission).

Conditions:
Neuropathy, hereditary sensory and autonomic, type 2A (HSAN2A). Also called: ACROOSTEOLYSIS, GIACCAI TYPE; ACROOSTEOLYSIS, NEUROGENIC; MORVAN DISEASE; NEUROPATHY, CONGENITAL SENSORY; NEUROPATHY, HEREDITARY SENSORY RADICULAR, AUTOSOMAL RECESSIVE; NEUROPATHY, HEREDITARY SENSORY, TYPE IIA. Identifiers: Orphanet 970, MedGen C2752089, MONDO:0024309, OMIM 201300.
Generalized epilepsy with febrile seizures plus, type 7 (GEFSP7). Also called: GEFS+, TYPE 7. Identifiers: Orphanet 36387, MedGen C2751778, MONDO:0013470, OMIM 613863.

Allele frequency attached by ClinVar (database versions not stated): gnomAD 0.00001.
gnomAD v4.1: 1 of 1,613,234 alleles (0.000062%); highest among the groups gnomAD compares: Non-Finnish European, 0.000085%; no homozygotes.

Submission:

Labcorp Genetics (formerly Invitae), Labcorp
Classification: Uncertain significance for Neuropathy, hereditary sensory and autonomic, type 2A; Generalized epilepsy with febrile seizures plus, type 7. Last evaluated: 2023-05-05. Review status: criteria provided, single submitter. Criteria: Invitae Variant Classification Sherloc (09022015). Collection method: clinical testing. Allele origin: germline.
Comment: This variant is present in population databases (rs201358060, gnomAD 0.007%). In summary, the available evidence is currently insufficient to determine the role of this variant in disease. Therefore, it has been classified as a Variant of Uncertain Significance. Advanced modeling of protein sequence and biophysical properties (such as structural, functional, and spatial information, amino acid conservation, physicochemical variation, residue mobility, and thermodynamic stability) performed at Invitae indicates that this missense variant is not expected to disrupt SCN9A protein function. This variant has not been reported in the literature in individuals affected with SCN9A-related conditions. This sequence change replaces histidine, which is basic and polar, with tyrosine, which is neutral and polar, at codon 1039 of the SCN9A protein (p.His1039Tyr).